The following is an entry in ClinVar:

ClinVar aggregate classification (germline): Uncertain significance (1 of 4 stars; one submission).

Conditions:
VPS13B-related disorder. Also called: VPS13B-related condition.

Submission:

PreventionGenetics, part of Exact Sciences
Classification: Uncertain significance for VPS13B-related condition. Last evaluated: 2026-02-16. Review status: criteria provided, single submitter. Criteria: ACMG Guidelines, 2015. Collection method: clinical testing. Allele origin: germline.
Comment: The VPS13B c.2561C>T variant is predicted to result in the amino acid substitution p.Ala854Val. To our knowledge, this variant has not been reported in the literature or in a large population database (gnomAD), indicating this variant is rare. At this time, the clinical significance of this variant is uncertain due to the absence of conclusive functional and genetic evidence.

NM_152564.5(VPS13B):c.2515+16580C>T

Gene: VPS13B (vacuolar protein sorting 13 homolog B; plus strand). Cytogenetic location: 8q22.2.
Variant type: single nucleotide variant.
Coding change: c.2515+16580C>T on transcript NM_152564.5 (MANE Select); 16580 bases into the intron after coding-DNA position 2515, C replaced by T.
Molecular consequence: intron variant. On other transcripts: missense variant (1).
Genome position (GRCh38, 1-based): chr8:99,209,637, C>T. VCF-style: chr8-99209637-C-T. GRCh37 (hg19) VCF-style: chr8-100221865-C-T.
Other names: c.2561C>T, p.Ala854Val (NM_015243.3); c.2515+16580C>T (NM_017890.5); short protein forms A854V.
Identifiers: ClinVar variation 4991286 (VCV004991286.1).
Genomic context (GRCh38, chr8:99,209,637, plus strand): 5'-TTTTTTACTTTGTAGAGATTGGGTCTTGCTATGTTGCCCAGGTTGATCTTGAACTCCTGG[C>T]CTCAAATGATCCTCCCACCTCAACCTCCTGAAGTGCCGGGATTGGAGGCCCAAGCCACTG-3'